The following is an entry in ClinVar:

NM_002291.3(LAMB1):c.3080-289T>G

Gene: LAMB1 (laminin subunit beta 1; minus strand). Cytogenetic location: 7q31.1.
Variant type: single nucleotide variant.
Coding change: c.3080-289T>G on transcript NM_002291.3 (MANE Select); 289 bases into the intron before coding-DNA position 3080, T replaced by G.
Molecular consequence: intron variant.
Genome position (GRCh38, 1-based): chr7:107,952,512, A>C on the plus strand (T>G on the coding strand, the complement: LAMB1 is on the minus strand). VCF-style: chr7-107952512-A-C. GRCh37 (hg19) VCF-style: chr7-107592957-A-C.
Identifiers: ClinVar variation 681287 (VCV000681287.1), dbSNP rs55890728, ClinGen allele CA164244318.

ClinVar aggregate classification (germline): Benign (1 of 4 stars; one submission).

Allele frequency attached by ClinVar (database versions not stated): gnomAD 0.06848 and 0.07336; TOPMed 0.07795; 1000 Genomes Project 0.08067; 1000 Genomes Project 30x 0.08510.
gnomAD v4.1: 10,336 of 152,288 alleles (6.8%); highest among the groups gnomAD compares: African/African-American, 23%; 1,166 homozygotes.

Submission:

GeneDx
Classification: Benign. Last evaluated: 2018-06-16. Review status: criteria provided, single submitter. Criteria: GeneDx Variant Classification (06012015). Collection method: clinical testing. Allele origin: germline. Affected: yes.
Comment: This variant is considered likely benign or benign based on one or more of the following criteria: it is a conservative change, it occurs at a poorly conserved position in the protein, it is predicted to be benign by multiple in silico algorithms, and/or has population frequency not consistent with disease.